The following is an entry in ClinVar:

ClinVar aggregate classification (germline): Uncertain significance. Review status: criteria provided, multiple submitters, no conflicts (2 of 4 stars). 4 submissions from 4 submitters: Uncertain significance (4). Last evaluated 2025-10-25.

Conditions:
PIGG-related disorder. Also called: PIGG-related condition.
Intellectual disability, autosomal recessive 53 (NEDHSCA). Also called: GLYCOSYLPHOSPHATIDYLINOSITOL BIOSYNTHESIS DEFECT 13; Mental retardation, autosomal recessive 53; NEURODEVELOPMENTAL DISORDER WITH OR WITHOUT HYPOTONIA, SEIZURES, AND CEREBELLAR ATROPHY. Identifiers: Orphanet 488635, MedGen C4310794, MONDO:0014832, OMIM 616917.

Allele frequency attached by ClinVar (database versions not stated): ExAC 0.00018; gnomAD 0.00019 and 0.00060; 1000 Genomes Project 0.00020; gnomAD exomes 0.00027 and 0.00016; TOPMed 0.00081; 1000 Genomes Project 30x 0.00016.
gnomAD v4.1: 470 of 1,614,158 alleles (0.029%); highest among the groups gnomAD compares: Non-Finnish European, 0.032%; 3 homozygotes.

Submissions (4):

PreventionGenetics, part of Exact Sciences
Classification: Uncertain significance for PIGG-related condition. Last evaluated: 2025-10-25. Review status: criteria provided, single submitter. Criteria: ACMG Guidelines, 2015. Collection method: clinical testing. Allele origin: germline.
Comment: The PIGG c.1699G>A variant is predicted to result in the amino acid substitution p.Ala567Thr. To our knowledge, this variant has not been reported in the literature. This variant is reported in 0.027% of alleles in individuals of European (Non-Finnish) descent in gnomAD. At this time, the clinical significance of this variant is uncertain due to the absence of conclusive functional and genetic evidence.

Blueprint Genetics
Classification: Uncertain significance. Last evaluated: 2024-11-26. Review status: criteria provided, single submitter. Criteria: ACMG Guidelines, 2015. Collection method: clinical testing. Allele origin: germline.

Labcorp Genetics (formerly Invitae), Labcorp
Classification: Uncertain significance for Intellectual disability, autosomal recessive 53. Last evaluated: 2022-10-13. Review status: criteria provided, single submitter. Criteria: Invitae Variant Classification Sherloc (09022015). Collection method: clinical testing. Allele origin: germline.
Comment: This sequence change replaces alanine, which is neutral and non-polar, with threonine, which is neutral and polar, at codon 567 of the PIGG protein (p.Ala567Thr). This variant is present in population databases (rs141442388, gnomAD 0.03%). This variant has not been reported in the literature in individuals affected with PIGG-related conditions. ClinVar contains an entry for this variant (Variation ID: 542889). Advanced modeling of protein sequence and biophysical properties (such as structural, functional, and spatial information, amino acid conservation, physicochemical variation, residue mobility, and thermodynamic stability) performed at Invitae indicates that this missense variant is expected to disrupt PIGG protein function. In summary, the available evidence is currently insufficient to determine the role of this variant in disease. Therefore, it has been classified as a Variant of Uncertain Significance.

GeneDx
Classification: Uncertain significance. Last evaluated: 2022-05-24. Review status: criteria provided, single submitter. Criteria: GeneDx Variant Classification Process June 2021. Collection method: clinical testing. Allele origin: germline. Affected: yes.
Comment: In silico analysis supports that this missense variant does not alter protein structure/function; Has not been previously published as pathogenic or benign to our knowledge

NM_001127178.3(PIGG):c.1699G>A (p.Ala567Thr)

Gene: PIGG (phosphatidylinositol glycan anchor biosynthesis class G (EMM blood group); plus strand). Cytogenetic location: 4p16.3.
Variant type: single nucleotide variant.
Coding change: c.1699G>A on transcript NM_001127178.3 (MANE Select); coding-DNA position 1699, G replaced by A.
Protein change: p.Ala567Thr; replaces alanine 567 with threonine.
Molecular consequence: missense variant. On other transcripts: non-coding transcript variant (7).
Genome position (GRCh38, 1-based): chr4:523,543, G>A. VCF-style: chr4-523543-G-A. GRCh37 (hg19) VCF-style: chr4-517332-G-A.
Other names: c.1432G>A, p.Ala478Thr (NM_001289051.2, NM_001345986.2); c.1300G>A, p.Ala434Thr (NM_001289052.2); c.1408G>A, p.Ala470Thr (NM_001345987.2); c.670G>A, p.Ala224Thr (NM_001345988.2); c.166G>A, p.Ala56Thr (NM_001345990.2, NM_001345991.2); c.601G>A, p.Ala201Thr (NM_001345994.2); c.1675G>A, p.Ala559Thr (NM_017733.5); short protein forms A567T, A224T, A56T, A201T, A434T, A470T, A478T, A559T.
Identifiers: ClinVar variation 542889 (VCV000542889.9), dbSNP rs141442388, ClinGen allele CA2793436.